The following is an entry in ClinVar:

NM_024675.4(PALB2):c.2416C>T (p.Pro806Ser)

Gene: PALB2 (partner and localizer of BRCA2; minus strand). Cytogenetic location: 16p12.2.
Variant type: single nucleotide variant.
Coding change: c.2416C>T on transcript NM_024675.4 (MANE Select); coding-DNA position 2416, C replaced by T.
Protein change: p.Pro806Ser; replaces proline 806 with serine.
Molecular consequence: missense variant. On other transcripts: intron variant (1).
Genome position (GRCh38, 1-based): chr16:23,629,738, G>A on the plus strand (C>T on the coding strand, the complement: PALB2 is on the minus strand). VCF-style: chr16-23629738-G-A. GRCh37 (hg19) VCF-style: chr16-23641059-G-A.
Other names: c.2356C>T, p.Pro786Ser (NM_001407296.1); c.2416C>T, p.Pro806Ser (NM_001407297.1, NM_001407298.1, NM_001407299.1 and 3 more transcripts); c.628C>T, p.Pro210Ser (NM_001407313.1, NM_001407312.1); c.49-463C>T (NM_001407314.1); c.1531C>T, p.Pro511Ser (NM_001407304.1, NM_001407305.1, NM_001407306.1 and 5 more transcripts); short protein forms P210S, P786S, P511S, P806S.
Identifiers: ClinVar variation 4130344 (VCV004130344.1).

ClinVar aggregate classification (germline): Uncertain significance (1 of 4 stars; one submission).

Conditions:
Hereditary cancer-predisposing syndrome. Also called: Hereditary neoplastic syndrome; Neoplastic Syndromes, Hereditary; Tumor predisposition; Hereditary Cancer Syndrome. Identifiers: Orphanet 140162, MedGen C0027672, MeSH D009386, MONDO:0015356.

Submission:

Ambry Genetics
Classification: Uncertain significance for Hereditary cancer-predisposing syndrome. Last evaluated: 2025-08-08. Review status: criteria provided, single submitter. Criteria: Ambry Variant Classification Scheme 2023. Collection method: clinical testing. Allele origin: germline.
Comment: The p.P806S variant (also known as c.2416C>T), located in coding exon 5 of the PALB2 gene, results from a C to T substitution at nucleotide position 2416. The proline at codon 806 is replaced by serine, an amino acid with similar properties. This amino acid position is conserved. In addition, this alteration is predicted to be tolerated by in silico analysis. Based on the available evidence, the clinical significance of this variant remains unclear.